The following is an entry in ClinVar:

ClinVar aggregate classification (germline): Uncertain significance. Review status: criteria provided, multiple submitters, no conflicts (2 of 4 stars). 5 submissions from 5 submitters: Uncertain significance (4). 1 of the submissions does not count toward it. Last evaluated 2025-11-05.

Conditions:
Colorectal cancer, susceptibility to, 12 (CRCS12). Also called: COLORECTAL CANCER, SUSCEPTIBILITY TO, ON CHROMOSOME 12q24. Identifiers: Orphanet 220460, MedGen C3554460, MONDO:0014038, OMIM 615083.
Facial dysmorphism-immunodeficiency-livedo-short stature syndrome. Also called: Facial dysmorphism, immunodeficiency, livedo, and short stature; FILS syndrome. Identifiers: Orphanet 352712, MedGen C3554576, MONDO:0014058, OMIM 615139.
Hereditary cancer-predisposing syndrome. Also called: Neoplastic Syndromes, Hereditary; Hereditary Cancer Syndrome; Hereditary neoplastic syndrome; Tumor predisposition. Identifiers: Orphanet 140162, MedGen C0027672, MeSH D009386, MONDO:0015356.

Allele frequency attached by ClinVar (database versions not stated): gnomAD 0.00001; gnomAD exomes 0.00001; TOPMed 0.00001.

Submissions (5):

Labcorp Genetics (formerly Invitae), Labcorp
Classification: Uncertain significance. Last evaluated: 2025-11-05. Review status: criteria provided, single submitter. Criteria: Invitae Variant Classification Sherloc (09022015). Collection method: clinical testing. Allele origin: germline.
Comment: This sequence change replaces methionine, which is neutral and non-polar, with isoleucine, which is neutral and non-polar, at codon 66 of the POLE protein (p.Met66Ile). This variant is present in population databases (rs764962999, gnomAD 0.006%). This missense change has been observed in individual(s) with attenuated adenomatous polyposis (PMID: 31285513). ClinVar contains an entry for this variant (Variation ID: 540773). Invitae Evidence Modeling of protein sequence and biophysical properties (such as structural, functional, and spatial information, amino acid conservation, physicochemical variation, residue mobility, and thermodynamic stability) indicates that this missense variant is not expected to disrupt POLE protein function with a negative predictive value of 80%. In summary, the available evidence is currently insufficient to determine the role of this variant in disease. Therefore, it has been classified as a Variant of Uncertain Significance.

GeneDx
Classification: Uncertain significance. Last evaluated: 2025-05-18. Review status: criteria provided, single submitter. Criteria: GeneDx Variant Classification Process June 2021. Collection method: clinical testing. Allele origin: germline. Affected: yes.
Comment: Not observed at significant frequency in large population cohorts (gnomAD); In silico analysis supports that this missense variant has a deleterious effect on protein structure/function; This variant is associated with the following publications: (PMID: 35534704, 31285513)

Ambry Genetics
Classification: Uncertain significance for Hereditary cancer-predisposing syndrome. Last evaluated: 2025-01-02. Review status: criteria provided, single submitter. Criteria: Ambry Variant Classification Scheme 2023. Collection method: clinical testing. Allele origin: germline.
Comment: The p.M66I variant (also known as c.198G>A), located in coding exon 2 of the POLE gene, results from a G to A substitution at nucleotide position 198. The methionine at codon 66 is replaced by isoleucine, an amino acid with highly similar properties. This variant was identified in one individual in a Spanish cohort of 158 individuals with attenuated polyposis who underwent multi-gene panel testing (Lorca V et al. Sci Rep, 2019 Jul;9:9814). This amino acid position is highly conserved in available vertebrate species. In addition, this alteration is predicted to be tolerated by in silico analysis. Based on the available evidence, the clinical significance of this variant remains unclear.

Fulgent Genetics
Classification: Uncertain significance for Colorectal cancer, susceptibility to, 12; Facial dysmorphism-immunodeficiency-livedo-short stature syndrome. Last evaluated: 2018-10-31. Review status: criteria provided, single submitter. Criteria: ACMG Guidelines, 2015. Collection method: clinical testing. Allele origin: unknown.

Molecular Oncology Laboratory, Hospital Clínico San Carlos
Classification: Uncertain significance for Colorectal cancer, susceptibility to, 12. Last evaluated: 2018-06-01. Review status: no assertion criteria provided. Criteria: ACMG Guidelines, 2015. Collection method: clinical testing. Allele origin: germline. Inheritance: Autosomal dominant inheritance. Affected: yes. Not counted in ClinVar's aggregate classification.

Literature cited by the submitters: PubMed 31285513 (cited by Labcorp Genetics (formerly Invitae), Labcorp and Ambry Genetics).

NM_006231.4(POLE):c.198G>A (p.Met66Ile)

Gene: POLE (DNA polymerase epsilon, catalytic subunit; minus strand). Cytogenetic location: 12q24.33.
Variant type: single nucleotide variant.
Coding change: c.198G>A on transcript NM_006231.4 (MANE Select); coding-DNA position 198, G replaced by A.
Protein change: p.Met66Ile; replaces methionine 66 with isoleucine.
Molecular consequence: missense variant.
Genome position (GRCh38, 1-based): chr12:132,681,144, C>T on the plus strand (G>A on the coding strand, the complement: POLE is on the minus strand). VCF-style: chr12-132681144-C-T. GRCh37 (hg19) VCF-style: chr12-133257730-C-T.
Other names: c.198G>A (NM_006231.2); short protein forms M66I.
Identifiers: ClinVar variation 540773 (VCV000540773.11), dbSNP rs764962999, ClinGen allele CA246303382.
Genomic context (GRCh38, chr12:132,681,144, plus strand): 5'-TGACCAGAAGGGTTGCAGCCATATTCCTGGGTGGGAGAAGGACCTAGTGCTTACAGGATG[C>T]ATGTTAATGAGCCAGCCTGTCTTCTCACCAGGCTCCTTCAGCCGCTCAAAACCAAACCGC-3'
Protein context (NP_006222.2, residues 56-76): PGEKTGWLIN[Met66Ile]HPTEILDEDK